The following is an entry in ClinVar:

ClinVar aggregate classification (germline): Pathogenic (1 of 4 stars; one submission).

Conditions:
Hereditary cancer-predisposing syndrome. Also called: Neoplastic Syndromes, Hereditary; Tumor predisposition; Hereditary Cancer Syndrome; Hereditary neoplastic syndrome. Identifiers: Orphanet 140162, MedGen C0027672, MeSH D009386, MONDO:0015356.

Submission:

Ambry Genetics
Classification: Pathogenic for Hereditary cancer-predisposing syndrome. Last evaluated: 2025-09-23. Review status: criteria provided, single submitter. Criteria: Ambry Variant Classification Scheme 2023. Collection method: clinical testing. Allele origin: germline.
Comment: The c.2946_2947dupTG pathogenic mutation, located in coding exon 19 of the ATM gene, results from a duplication of TG at nucleotide position 2946, causing a translational frameshift with a predicted alternate stop codon (p.D983Vfs*10). This variant is considered to be rare based on population cohorts in the Genome Aggregation Database (gnomAD). This alteration is expected to result in loss of function by premature protein truncation or nonsense-mediated mRNA decay. As such, this alteration is interpreted as a disease-causing mutation.

NM_000051.4(ATM):c.2946_2947dup (p.Asp983fs)

Gene: ATM (ATM serine/threonine kinase; plus strand). Cytogenetic location: 11q22.3.
Variant type: Duplication.
Coding change: c.2946_2947dup on transcript NM_000051.4 (MANE Select); coding-DNA positions 2946 to 2947, 2 bases duplicated (TG; older notation c.2946_2947dupTG).
Protein change: p.Asp983fs; shifts the reading frame from aspartic acid 983.
Molecular consequence: frameshift variant.
Genome position (GRCh38, 1-based): chr11:108,271,275-108,271,276, TG duplicated; duplicating any 2 consecutive bases within chr11:108,271,274-108,271,276 gives the same sequence; the c. name uses the placement nearest the transcript's 3' end. VCF-style (leftmost placement, unchanged base first): chr11-108271273-C-CGT. GRCh37 (hg19) VCF-style: chr11-108142000-C-CGT.
Other names: c.2946_2947dup, p.Asp983fs (NM_001351834.2); c.2946_2947dupTG (NM_000051.3); short protein forms D983fs.
Identifiers: ClinVar variation 4617232 (VCV004617232.1).
Genomic context (GRCh38, chr11:108,271,273, plus strand): 5'-GCTTATAAAGTTGAACTTTTTTTTTTTTTTTACCACAGCAATGTGTGTTCTTTGTATCGT[C>CGT]GTGACCAAGATGTTTGTAAAACTATTTTAAACCATGTCCTTCATGTAGTGAAAAACCTAG-3'